The following is an entry in ClinVar:

NM_001372574.1(ATXN2):c.1921A>C (p.Lys641Gln)

Gene: ATXN2 (ataxin 2; minus strand). Cytogenetic location: 12q24.12.
Variant type: single nucleotide variant.
Coding change: c.1921A>C on transcript NM_001372574.1 (MANE Select); coding-DNA position 1921, A replaced by C.
Protein change: p.Lys641Gln; replaces lysine 641 with glutamine.
Molecular consequence: missense variant. On other transcripts: non-coding transcript variant (1).
Genome position (GRCh38, 1-based): chr12:111,509,563, T>G on the plus strand (A>C on the coding strand, the complement: ATXN2 is on the minus strand). VCF-style: chr12-111509563-T-G. GRCh37 (hg19) VCF-style: chr12-111947367-T-G.
Other names: c.1606A>C, p.Lys536Gln (NM_001310121.1); c.1534A>C, p.Lys512Gln (NM_001310123.1); c.1921A>C, p.Lys641Gln (NM_002973.4); short protein forms K512Q, K641Q, K536Q.
Identifiers: ClinVar variation 930922 (VCV000930922.3), dbSNP rs867381855, ClinGen allele CA386722412.

ClinVar aggregate classification (germline): Uncertain significance (1 of 4 stars; one submission).

Conditions:
Spinocerebellar ataxia type 2 (SCA2). Also called: CEREBELLAR DEGENERATION WITH SLOW EYE MOVEMENTS; OLIVOPONTOCEREBELLAR ATROPHY II; SPINOCEREBELLAR ATROPHY II. Identifiers: Orphanet 98756, MedGen C0752121, MONDO:0008458, OMIM 183090.

Submission:

Centre for Mendelian Genomics, University Medical Centre Ljubljana
Classification: Uncertain significance for Spinocerebellar ataxia type 2. Last evaluated: 2020-03-31. Review status: criteria provided, single submitter. Criteria: ACMG Guidelines, 2015. Collection method: clinical testing. Allele origin: unknown. Affected: yes.
Comment: This variant was classified as: Uncertain significance. The available evidence on this variant's pathogenicity is insufficient or conflicting. The following ACMG criteria were applied in classifying this variant: PM2,PP3.